The following is an entry in ClinVar:

ClinVar aggregate classification (germline): Uncertain significance (1 of 4 stars; one submission).

Submission:

CeGaT Center for Human Genetics Tuebingen
Classification: Uncertain significance. Last evaluated: 2024-02-01. Review status: criteria provided, single submitter. Criteria: CeGaT Center For Human Genetics Tuebingen Variant Classification Criteria Version 2. Collection method: clinical testing. Allele origin: germline. Affected: yes. Observed: 1 variant allele.
Comment: KMT2D: PM2, BP4

NM_003482.4(KMT2D):c.5489C>T (p.Ala1830Val)

Gene: KMT2D (lysine methyltransferase 2D; minus strand). Cytogenetic location: 12q13.12.
Variant type: single nucleotide variant.
Coding change: c.5489C>T on transcript NM_003482.4 (MANE Select); coding-DNA position 5489, C replaced by T.
Protein change: p.Ala1830Val; replaces alanine 1830 with valine.
Molecular consequence: missense variant.
Genome position (GRCh38, 1-based): chr12:49,043,407, G>A on the plus strand (C>T on the coding strand, the complement: KMT2D is on the minus strand). VCF-style: chr12-49043407-G-A. GRCh37 (hg19) VCF-style: chr12-49437190-G-A.
Other names: short protein forms A1830V.
Identifiers: ClinVar variation 3027308 (VCV003027308.22), dbSNP rs2120568228, ClinGen allele CA384630878.